The following is an entry in ClinVar:

ClinVar aggregate classification (germline): Uncertain significance. Review status: criteria provided, multiple submitters, no conflicts (2 of 4 stars). 4 submissions from 4 submitters: Uncertain significance (4). Last evaluated 2025-12-18.

Conditions:
Hereditary cancer-predisposing syndrome. Also called: Neoplastic Syndromes, Hereditary; Tumor predisposition; Hereditary neoplastic syndrome; Hereditary Cancer Syndrome. Identifiers: Orphanet 140162, MedGen C0027672, MeSH D009386, MONDO:0015356.
Familial adenomatous polyposis 1 (FAP1). Also called: FAMILIAL ADENOMATOUS POLYPOSIS 1, ATTENUATED; POLYPOSIS, ADENOMATOUS INTESTINAL. Identifiers: MedGen C2713442, MONDO:0021056, OMIM 175100. Disease mechanism: loss of function.

Allele frequency attached by ClinVar (database versions not stated): TOPMed 0.00001; gnomAD 0.00001.
gnomAD v4.1: 1 of 1,613,928 alleles (0.000062%); highest among the groups gnomAD compares: African/African-American, 0.0013%; no homozygotes.

Submissions (4):

Ambry Genetics
Classification: Uncertain significance for Hereditary cancer-predisposing syndrome. Last evaluated: 2025-12-18. Review status: criteria provided, single submitter. Criteria: Ambry Variant Classification Scheme 2023. Collection method: clinical testing. Allele origin: germline.
Comment: The p.E2446D variant (also known as c.7338A>C), located in coding exon 15 of the APC gene, results from an A to C substitution at nucleotide position 7338. The glutamic acid at codon 2446 is replaced by aspartic acid, an amino acid with highly similar properties. This amino acid position is highly conserved in available vertebrate species. In addition, in silico predictors for this gene do not accurately predict pathogenicity. Since supporting evidence is limited at this time, the clinical significance of this alteration remains unclear.

Color Diagnostics, LLC DBA Color Health
Classification: Uncertain significance for Hereditary cancer-predisposing syndrome. Last evaluated: 2025-07-14. Review status: criteria provided, single submitter. Criteria: ACMG Guidelines, 2015. Collection method: clinical testing. Allele origin: germline.
Comment: This missense variant replaces glutamic acid with aspartic acid at codon 2446 of the APC protein. Computational prediction is inconclusive regarding the impact of this variant on protein structure and function. To our knowledge, functional studies have not been reported for this variant. This variant has not been reported in individuals affected with APC-related disorders in the literature. This variant has not been identified in the general population by the Genome Aggregation Database (gnomAD). The available evidence is insufficient to determine the role of this variant in disease conclusively. Therefore, this variant is classified as a Variant of Uncertain Significance.

Labcorp Genetics (formerly Invitae), Labcorp
Classification: Uncertain significance for Familial adenomatous polyposis 1. Last evaluated: 2024-01-13. Review status: criteria provided, single submitter. Criteria: Invitae Variant Classification Sherloc (09022015). Collection method: clinical testing. Allele origin: germline.
Comment: This sequence change replaces glutamic acid, which is acidic and polar, with aspartic acid, which is acidic and polar, at codon 2446 of the APC protein (p.Glu2446Asp). This variant is not present in population databases (gnomAD no frequency). This variant has not been reported in the literature in individuals affected with APC-related conditions. ClinVar contains an entry for this variant (Variation ID: 411518). Advanced modeling of protein sequence and biophysical properties (such as structural, functional, and spatial information, amino acid conservation, physicochemical variation, residue mobility, and thermodynamic stability) performed at Invitae indicates that this missense variant is not expected to disrupt APC protein function with a negative predictive value of 95%. In summary, the available evidence is currently insufficient to determine the role of this variant in disease. Therefore, it has been classified as a Variant of Uncertain Significance.

GeneDx
Classification: Uncertain significance. Last evaluated: 2023-04-06. Review status: criteria provided, single submitter. Criteria: GeneDx Variant Classification Process June 2021. Collection method: clinical testing. Allele origin: germline. Affected: yes.
Comment: Not observed at significant frequency in large population cohorts (gnomAD); In silico analysis supports that this missense variant does not alter protein structure/function; Has not been previously published as pathogenic or benign to our knowledge

NM_000038.6(APC):c.7338A>C (p.Glu2446Asp)

Gene: APC (APC regulator of Wnt signaling pathway; plus strand). Cytogenetic location: 5q22.2.
Variant type: single nucleotide variant.
Coding change: c.7338A>C on transcript NM_000038.6 (MANE Select); coding-DNA position 7338, A replaced by C.
Protein change: p.Glu2446Asp; replaces glutamic acid 2446 with aspartic acid.
Molecular consequence: missense variant.
Genome position (GRCh38, 1-based): chr5:112,842,932, A>C. VCF-style: chr5-112842932-A-C. GRCh37 (hg19) VCF-style: chr5-112178629-A-C.
Other names: c.7338A>C, p.Glu2446Asp (NM_001127510.3, NM_001354895.2); c.7284A>C, p.Glu2428Asp (NM_001127511.3); c.7392A>C, p.Glu2464Asp (NM_001354896.2); c.7368A>C, p.Glu2456Asp (NM_001354897.2); c.7263A>C, p.Glu2421Asp (NM_001354898.2); c.7254A>C, p.Glu2418Asp (NM_001354899.2); c.7215A>C, p.Glu2405Asp (NM_001354900.2); c.7161A>C, p.Glu2387Asp (NM_001354901.2); and 5 more; short protein forms E2446D, E2428D, E2163D, E2320D, E2345D, E2405D, E2456D, E2421D.
Identifiers: ClinVar variation 411518 (VCV000411518.54), dbSNP rs887554004, ClinGen allele CA16037313.